The following is an entry in ClinVar:

ClinVar aggregate classification (germline): Conflicting classifications of pathogenicity. Review status: criteria provided, conflicting classifications (1 of 4 stars). 4 submissions from 4 submitters: Uncertain significance (3); Likely benign (1). Last evaluated 2024-12-10.

Conditions:
Hereditary cancer-predisposing syndrome. Also called: Neoplastic Syndromes, Hereditary; Tumor predisposition; Hereditary Cancer Syndrome; Hereditary neoplastic syndrome. Identifiers: Orphanet 140162, MedGen C0027672, MeSH D009386, MONDO:0015356.
Hereditary breast ovarian cancer syndrome. Also called: Breast and ovarian cancer; BRCA1- and BRCA2-Associated Hereditary Breast and Ovarian Cancer; Hereditary breast and ovarian cancer; Hereditary breast and ovarian cancer syndrome (HBOC); Hereditary breast and/or ovarian cancer syndrome; Hereditary breast and ovarian cancer syndrome. Identifiers: Orphanet 145, MedGen C0677776, MeSH D061325, MONDO:0003582. Disease mechanism: loss of function.

Submissions (4):

Color Diagnostics, LLC DBA Color Health
Classification: Uncertain significance for Hereditary cancer-predisposing syndrome. Last evaluated: 2024-12-10. Review status: criteria provided, single submitter. Criteria: ACMG Guidelines, 2015. Collection method: clinical testing. Allele origin: germline.
Comment: This missense variant replaces glutamine with proline at codon 1107 of the BRCA2 protein. Computational prediction suggests that this variant may not impact protein structure and function. To our knowledge, functional studies have not been reported for this variant. A multifactorial analysis has reported a likelihood ratio for pathogenicity based on personal and family history of 0.49 from log(LR)=-0.309751987 for one carrier (PMID: 31853058). This variant has not been identified in the general population by the Genome Aggregation Database (gnomAD). The available evidence is insufficient to determine the role of this variant in disease conclusively. Therefore, this variant is classified as a Variant of Uncertain Significance.

Ambry Genetics
Classification: Uncertain significance for Hereditary cancer-predisposing syndrome. Last evaluated: 2024-11-15. Review status: criteria provided, single submitter. Criteria: Ambry Variant Classification Scheme 2023. Collection method: clinical testing. Allele origin: germline.
Comment: The p.Q1107P variant (also known as c.3320A>C), located in coding exon 10 of the BRCA2 gene, results from an A to C substitution at nucleotide position 3320. The glutamine at codon 1107 is replaced by proline, an amino acid with similar properties. This amino acid position is highly conserved in available vertebrate species. In addition, the in silico prediction for this alteration is inconclusive. Based on the available evidence, the clinical significance of this variant remains unclear.

University of Washington Department of Laboratory Medicine, University of Washington
Classification: Likely benign for Hereditary cancer-predisposing syndrome. Last evaluated: 2023-03-23. Review status: criteria provided, single submitter. Criteria: Dines et al. (Genet Med. 2020). Collection method: curation. Allele origin: germline.
Comment: Missense variant in a coldspot region where missense variants are very unlikely to be pathogenic (PMID:31911673).

BRCA2 exon 11 coldspot. Reclassification based on statistical prior probability.

Labcorp Genetics (formerly Invitae), Labcorp
Classification: Uncertain significance for Hereditary breast ovarian cancer syndrome. Last evaluated: 2022-06-04. Review status: criteria provided, single submitter. Criteria: Invitae Variant Classification Sherloc (09022015). Collection method: clinical testing. Allele origin: germline.
Comment: In summary, the available evidence is currently insufficient to determine the role of this variant in disease. Therefore, it has been classified as a Variant of Uncertain Significance. Advanced modeling of protein sequence and biophysical properties (such as structural, functional, and spatial information, amino acid conservation, physicochemical variation, residue mobility, and thermodynamic stability) performed at Invitae indicates that this missense variant is not expected to disrupt BRCA2 protein function. ClinVar contains an entry for this variant (Variation ID: 649309). This missense change has been observed in individual(s) with BRCA2-related conditions (PMID: 21520333). This variant is not present in population databases (gnomAD no frequency). This sequence change replaces glutamine, which is neutral and polar, with proline, which is neutral and non-polar, at codon 1107 of the BRCA2 protein (p.Gln1107Pro).

Literature cited by the submitters: PubMed 31853058 (cited by Color Diagnostics, LLC DBA Color Health); PubMed 21520333 (cited by Labcorp Genetics (formerly Invitae), Labcorp).

NM_000059.4(BRCA2):c.3320A>C (p.Gln1107Pro)

Gene: BRCA2 (BRCA2 DNA repair associated; plus strand). Cytogenetic location: 13q13.1.
Variant type: single nucleotide variant.
Coding change: c.3320A>C on transcript NM_000059.4 (MANE Select); coding-DNA position 3320, A replaced by C.
Protein change: p.Gln1107Pro; replaces glutamine 1107 with proline.
Molecular consequence: missense variant.
Genome position (GRCh38, 1-based): chr13:32,337,675, A>C. VCF-style: chr13-32337675-A-C. GRCh37 (hg19) VCF-style: chr13-32911812-A-C.
Other names: short protein forms Q1107P.
Identifiers: ClinVar variation 649309 (VCV000649309.14), dbSNP rs1593899174, ClinGen allele CA387776237.